The following is an entry in ClinVar:

NM_000089.4(COL1A2):c.2351G>C (p.Gly784Ala)

Gene: COL1A2 (collagen type I alpha 2 chain; plus strand). Cytogenetic location: 7q21.3.
Variant type: single nucleotide variant.
Coding change: c.2351G>C on transcript NM_000089.4 (MANE Select); coding-DNA position 2351, G replaced by C.
Protein change: p.Gly784Ala; replaces glycine 784 with alanine.
Molecular consequence: missense variant.
Genome position (GRCh38, 1-based): chr7:94,421,900, G>C. VCF-style: chr7-94421900-G-C. GRCh37 (hg19) VCF-style: chr7-94051212-G-C.
Other names: short protein forms G784A.
Identifiers: ClinVar variation 4786255 (VCV004786255.1).
Genomic context (GRCh38, chr7:94,421,900, plus strand): 5'-CTTACCCAAATTCTTGGAGTTGATGTTGACTGTGGAATTCTAATGTGCTTGGCTCTTAGG[G>C]TATGACTGGTTTCCCTGGTGCTGCTGGACGGACTGGTCCCCCAGGACCCTCTGTAAGTAA-3'
Protein context (NP_000080.2, residues 774-794): AGSRGDGGPP[Gly784Ala]MTGFPGAAGR

ClinVar aggregate classification (germline): Likely pathogenic (1 of 4 stars; one submission).

Conditions:
Ehlers-Danlos syndrome, classic type, 1 (EDSCL1). Also called: EHLERS-DANLOS SYNDROME, GRAVIS TYPE; EHLERS-DANLOS SYNDROME, SEVERE CLASSIC TYPE; Ehlers-Danlos syndrome, type 1; Ehlers-Danlos Syndrome, Classic Type, COL5A1-Related; EDS I. Identifiers: MedGen C0268335, MONDO:0019567, OMIM 130000.
Osteogenesis imperfecta type I (OI1). Also called: OI, TYPE I; OSTEOGENESIS IMPERFECTA TARDA; OSTEOGENESIS IMPERFECTA WITH BLUE SCLERAE; Osteogenesis imperfecta type 1; Lobstein's Disease; Lobstein disease. Identifiers: Orphanet 216796, Orphanet 666, MedGen C0023931, MONDO:0008146, OMIM 166200. Disease mechanism: loss of function.

Submission:

Labcorp Genetics (formerly Invitae), Labcorp
Classification: Likely pathogenic for Osteogenesis imperfecta type I; Ehlers-Danlos syndrome, classic type, 1. Last evaluated: 2025-10-03. Review status: criteria provided, single submitter. Criteria: Invitae Variant Classification Sherloc (09022015). Collection method: clinical testing. Allele origin: germline.
Comment: This sequence change replaces glycine, which is neutral and non-polar, with alanine, which is neutral and non-polar, at codon 784 of the COL1A2 protein (p.Gly784Ala). This variant is not present in population databases (gnomAD no frequency). This variant has not been reported in the literature in individuals affected with COL1A2-related conditions. Experimental studies and prediction algorithms are not available or were not evaluated, and the functional significance of this variant is currently unknown. This variant disrupts the triple helix domain of COL1A2. Glycine residues within the Gly-Xaa-Yaa repeats of the triple helix domain are required for the structure and stability of fibrillar collagens (PMID: 7695699, 8218237, 19344236). In COL1A2, variants affecting these glycine residues are significantly enriched in individuals with disease (PMID: 9016532, 17078022) compared to the general population (ExAC). This variant disrupts the p.Gly784 amino acid residue in COL1A2. Other variant(s) that disrupt this residue have been observed in individuals with COL1A2-related conditions (PMID: 1874719, 37270749), which suggests that this may be a clinically significant amino acid residue. In summary, the currently available evidence indicates that the variant is pathogenic, but additional data are needed to prove that conclusively. Therefore, this variant has been classified as Likely Pathogenic.

Literature cited by the submitters: PubMed 7695699; PubMed 8218237; PubMed 19344236; PubMed 9016532; PubMed 17078022; PubMed 1874719; PubMed 37270749.